The following is an entry in ClinVar:

ClinVar aggregate classification (germline): Uncertain significance. Review status: criteria provided, multiple submitters, no conflicts (2 of 4 stars). 2 submissions from 2 submitters: Uncertain significance (2). Last evaluated 2025-09-15.

Conditions:
Usher syndrome type 3B. Also called: USHER SYNDROME, TYPE IIIB. Identifiers: MedGen C3281066, MONDO:0013788, OMIM 614504.

Allele frequency attached by ClinVar (database versions not stated): gnomAD exomes below 0.00001 and 0.00002; gnomAD 0.00001; TOPMed 0.00001.
gnomAD v4.1: 24 of 1,598,492 alleles (0.0015%); highest among the groups gnomAD compares: Admixed American, 0.005%; no homozygotes.

Submissions (2):

Labcorp Genetics (formerly Invitae), Labcorp
Classification: Uncertain significance for Usher syndrome type 3B. Last evaluated: 2025-09-15. Review status: criteria provided, single submitter. Criteria: Invitae Variant Classification Sherloc (09022015). Collection method: clinical testing. Allele origin: germline.
Comment: This sequence change falls in intron 11 of the HARS gene. It does not directly change the encoded amino acid sequence of the HARS protein. It affects a nucleotide within the consensus splice site. This variant is present in population databases (no rsID available, gnomAD 0.006%). This variant has not been reported in the literature in individuals affected with HARS-related conditions. ClinVar contains an entry for this variant (Variation ID: 642927). Variants that disrupt the consensus splice site are a relatively common cause of aberrant splicing (PMID: 17576681, 9536098). Algorithms developed to predict the effect of sequence changes on RNA splicing suggest that this variant is not likely to affect RNA splicing. In summary, the available evidence is currently insufficient to determine the role of this variant in disease. Therefore, it has been classified as a Variant of Uncertain Significance.

Women's Health and Genetics/Laboratory Corporation of America, LabCorp
Classification: Uncertain significance. Last evaluated: 2023-07-20. Review status: criteria provided, single submitter. Criteria: LabCorp Variant Classification Summary - May 2015. Collection method: clinical testing. Allele origin: germline.
Comment: Variant summary: HARS1 c.1311+4T>C alters a non-conserved nucleotide located close to a canonical splice site and therefore could affect mRNA splicing, leading to a significantly altered protein sequence. Computational tools predict no significant impact on normal splicing. However, these predictions have yet to be confirmed by functional studies. The variant allele was found at a frequency of 4e-06 in 251266 control chromosomes (gnomAD). The available data on variant occurrences in the general population are insufficient to allow any conclusion about variant significance. To our knowledge, no occurrence of c.1311+4T>C in individuals affected with Usher Syndrome and no experimental evidence demonstrating its impact on protein function have been reported. One ClinVar submitter has assessed the variant since 2014, and classified the variant as uncertain significance. Based on the evidence outlined above, the variant was classified as uncertain significance.

Literature cited by the submitters: PubMed 17576681 (cited by Labcorp Genetics (formerly Invitae), Labcorp); PubMed 9536098 (cited by Labcorp Genetics (formerly Invitae), Labcorp).

NM_002109.6(HARS1):c.1311+4T>C

Gene: HARS1 (histidyl-tRNA synthetase 1; minus strand). Cytogenetic location: 5q31.3.
Variant type: single nucleotide variant.
Coding change: c.1311+4T>C on transcript NM_002109.6 (MANE Select); 4 bases into the intron after coding-DNA position 1311, T replaced by C.
Molecular consequence: intron variant.
Genome position (GRCh38, 1-based): chr5:140,675,013, A>G on the plus strand (T>C on the coding strand, the complement: HARS1 is on the minus strand). VCF-style: chr5-140675013-A-G. GRCh37 (hg19) VCF-style: chr5-140054598-A-G.
Other names: c.1224+4T>C (NM_001289094.2); c.969+4T>C (NM_001289093.2); c.1131+4T>C (NM_001258042.3); c.1191+4T>C (NM_001258040.3); c.1089+4T>C (NM_001289092.2); c.1251+4T>C (NM_001258041.3).
Identifiers: ClinVar variation 642927 (VCV000642927.7), dbSNP rs958234389, ClinGen allele CA128376756.
Genomic context (GRCh38, chr5:140,675,013, plus strand): 5'-CTTTTATTCAGTTTGTGTCCAGCACACCTAAGTTTGCTGCCACCCTGGGGCTTGCCTCCC[A>G]TACCTTGATCCCAGCATCCCACAGTTCTGAGACAAGCTTTAGTCTTTCCTCTAGCAGCTT-3'